The following is an entry in ClinVar:

ClinVar aggregate classification (germline): Uncertain significance (1 of 4 stars; one submission).

Submission:

GeneDx
Classification: Uncertain significance. Last evaluated: 2024-12-26. Review status: criteria provided, single submitter. Criteria: GeneDx Variant Classification Process June 2021. Collection method: clinical testing. Allele origin: germline.
Comment: Not observed at significant frequency in large population cohorts (gnomAD); In silico analysis indicates that this missense variant does not alter protein structure/function; Has not been previously published as pathogenic or benign to our knowledge

NM_001429.4(EP300):c.6993G>C (p.Met2331Ile)

Gene: EP300 (EP300 lysine acetyltransferase; plus strand). Cytogenetic location: 22q13.2.
Variant type: single nucleotide variant.
Coding change: c.6993G>C on transcript NM_001429.4 (MANE Select); coding-DNA position 6993, G replaced by C.
Protein change: p.Met2331Ile; replaces methionine 2331 with isoleucine.
Molecular consequence: missense variant.
Genome position (GRCh38, 1-based): chr22:41,178,704, G>C. VCF-style: chr22-41178704-G-C. GRCh37 (hg19) VCF-style: chr22-41574708-G-C.
Other names: c.6915G>C, p.Met2305Ile (NM_001362843.2); short protein forms M2305I, M2331I.
Identifiers: ClinVar variation 3368569 (VCV003368569.2).